The following is an entry in ClinVar:

NM_006087.4(TUBB4A):c.774T>C (p.Val258=)

Gene: TUBB4A (tubulin beta 4A class IVa; minus strand). Cytogenetic location: 19p13.3.
Variant type: single nucleotide variant.
Coding change: c.774T>C on transcript NM_006087.4 (MANE Select); coding-DNA position 774, T replaced by C.
Protein change: p.Val258=; no amino-acid change (valine 258 retained).
Molecular consequence: synonymous variant.
Genome position (GRCh38, 1-based): chr19:6,495,725, A>G on the plus strand (T>C on the coding strand, the complement: TUBB4A is on the minus strand). VCF-style: chr19-6495725-A-G. GRCh37 (hg19) VCF-style: chr19-6495736-A-G.
Other names: p.Val258=; c.927T>C, p.Val309= (NM_001289123.2); c.909T>C, p.Val303= (NM_001289127.2); c.774T>C, p.Val258= (NM_001289129.2); c.558T>C, p.Val186= (NM_001289130.2, NM_001289131.2).
Identifiers: ClinVar variation 330263 (VCV000330263.23), dbSNP rs2071347, ClinGen allele CA9127326.

ClinVar aggregate classification (germline): Benign/Likely benign. Review status: criteria provided, multiple submitters, no conflicts (2 of 4 stars). 11 submissions from 9 submitters: Benign (8); Likely benign (1). 2 of the submissions do not count toward it. Last evaluated 2026-02-04.

Conditions:
Torsion dystonia 4. Also called: DYSTONIA MUSCULORUM DEFORMANS 4; DYT-TUBB4A (Autosomal Dominant Torsion Dystonia). Identifiers: Orphanet 98805, MedGen C1851943, MONDO:0007493, OMIM 128101.
Leukodystrophy, hypomyelinating, 6. Also called: Hypomyelination with Atrophy of Basal Ganglia and Cerebellum (H-ABC); LEUKODYSTROPHY, HYPOMYELINATING, WITH ATROPHY OF THE BASAL GANGLIA AND CEREBELLUM; TUBB4A-Associated Leukodystrophy. Identifiers: Orphanet 139441, MedGen C2676244, MONDO:0012905, OMIM 612438.

Allele frequency attached by ClinVar (database versions not stated): 1000 Genomes Project 0.62939; 1000 Genomes Project 30x 0.63445; ExAC 0.66798; gnomAD exomes 0.67256 and 0.69327; TOPMed 0.68743; gnomAD 0.69432 and 0.70114; ESP Exome Variant Server 0.69532.
gnomAD v4.1: 1,118,068 of 1,613,922 alleles (69%); highest among the groups gnomAD compares: Admixed American, 73%; 390,001 homozygotes.

Submissions (11):

Labcorp Genetics (formerly Invitae), Labcorp
Classification: Benign for Leukodystrophy, hypomyelinating, 6. Last evaluated: 2026-02-04. Review status: criteria provided, single submitter. Criteria: Invitae Variant Classification Sherloc (09022015). Collection method: clinical testing. Allele origin: germline.

Blueprint Genetics
Classification: Likely benign. Last evaluated: 2024-11-28. Review status: criteria provided, single submitter. Criteria: ACMG Guidelines, 2015. Collection method: clinical testing. Allele origin: germline.

Mayo Clinic Laboratories, Mayo Clinic
Classification: Benign. Last evaluated: 2022-03-24. Review status: criteria provided, single submitter. Criteria: ACMG Guidelines, 2015. Collection method: clinical testing. Allele origin: germline. Observed: 439 variant alleles.

Genome-Nilou Lab
Classification: Benign for Torsion dystonia 4. Last evaluated: 2021-12-05. Review status: criteria provided, single submitter. Criteria: ACMG Guidelines, 2015. Collection method: clinical testing. Allele origin: germline. Affected: no.

Genome-Nilou Lab
Classification: Benign for Leukodystrophy, hypomyelinating, 6. Last evaluated: 2021-12-05. Review status: criteria provided, single submitter. Criteria: ACMG Guidelines, 2015. Collection method: clinical testing. Allele origin: germline. Affected: no.

Illumina Laboratory Services, Illumina
Classification: Benign for Leukodystrophy, hypomyelinating, 6. Last evaluated: 2018-01-12. Review status: criteria provided, single submitter. Criteria: ICSL Variant Classification Criteria 13 December 2019. Collection method: clinical testing. Allele origin: germline.
Comment: This variant was observed in the ICSL laboratory as part of a predisposition screen in an ostensibly healthy population. It had not been previously curated by ICSL or reported in the Human Gene Mutation Database (HGMD: prior to June 1st, 2018), and was therefore a candidate for classification through an automated scoring system. Utilizing variant allele frequency, disease prevalence and penetrance estimates, and inheritance mode, an automated score was calculated to assess if this variant is too frequent to cause the disease. Based on the score and internal cut-off values, a variant classified as benign is not then subjected to further curation. The score for this variant resulted in a classification of benign for this disease.

Illumina Laboratory Services, Illumina
Classification: Benign for Torsion dystonia 4. Last evaluated: 2018-01-12. Review status: criteria provided, single submitter. Criteria: ICSL Variant Classification Criteria 13 December 2019. Collection method: clinical testing. Allele origin: germline.
Comment: the same text as in the submission from Illumina Laboratory Services, Illumina above.

GeneDx
Classification: Benign. Last evaluated: 2015-03-03. Review status: criteria provided, single submitter. Criteria: GeneDx Variant Classification Process June 2021. Collection method: clinical testing. Allele origin: germline. Affected: yes.

Breakthrough Genomics
Classification: Benign. Review status: criteria provided, single submitter. Criteria: ACMG Guidelines, 2015. Collection method: not provided. Allele origin: germline. Inheritance: Autosomal dominant inheritance. Affected: yes.

Clinical Genetics DNA and cytogenetics Diagnostics Lab, Erasmus MC, Erasmus Medical Center
Classification: Benign. Review status: no assertion criteria provided. Collection method: clinical testing. Allele origin: germline. Affected: yes. Study: VKGL Data-share Consensus. Not counted in ClinVar's aggregate classification.

Joint Genome Diagnostic Labs from Nijmegen and Maastricht, Radboudumc and MUMC+
Classification: Benign. Review status: no assertion criteria provided. Collection method: clinical testing. Allele origin: germline. Affected: yes. Study: VKGL Data-share Consensus. Not counted in ClinVar's aggregate classification.